The following is an entry in ClinVar:

NM_000069.3(CACNA1S):c.2031G>A (p.Lys677=)

Gene: CACNA1S (calcium voltage-gated channel subunit alpha1 S; minus strand). Cytogenetic location: 1q32.1.
Variant type: single nucleotide variant.
Coding change: c.2031G>A on transcript NM_000069.3 (MANE Select); coding-DNA position 2031, G replaced by A.
Protein change: p.Lys677=; no amino-acid change (lysine 677 retained).
Molecular consequence: synonymous variant.
Genome position (GRCh38, 1-based): chr1:201,074,538, C>T on the plus strand (G>A on the coding strand, the complement: CACNA1S is on the minus strand). VCF-style: chr1-201074538-C-T. GRCh37 (hg19) VCF-style: chr1-201043666-C-T.
Identifiers: ClinVar variation 3070733 (VCV003070733.1), dbSNP rs2464554328, ClinGen allele CA422688751.
Genomic context (GRCh38, chr1:201,074,538, plus strand): 5'-GGTCCCTTCCTGCTAAGGAAGCACTCACTTGGACATCTTCCTGCGTTTTTTCTCCTCAGC[C>T]TTGGCCTTCTGGGCAGAAGTCAGGCTCTCCGCCTCGGCCAGGTTGTCCACGGCAATGGCC-3'
Protein context (NP_000060.2, residues 667-687): AESLTSAQKA[Lys677=]AEEKKRRKMS

ClinVar aggregate classification (germline): Likely benign (1 of 4 stars; one submission).

Conditions:
Malignant hyperthermia, susceptibility to, 5 (MHS5). Also called: CACNA1S-Related Malignant Hyperthermia Susceptibility. Identifiers: Orphanet 423, MedGen C1866077, MONDO:0011163, OMIM 601887.

gnomAD v4.1: 2 of 1,613,900 alleles (0.00012%); highest among the groups gnomAD compares: Non-Finnish European, 0.00017%; no homozygotes.

Submission:

All of Us Research Program, National Institutes of Health
Classification: Likely benign for Malignant hyperthermia, susceptibility to, 5. Last evaluated: 2024-01-11. Review status: criteria provided, single submitter. Criteria: ACMG Guidelines, 2015. Collection method: clinical testing. Allele origin: germline. Inheritance: Autosomal dominant inheritance. Observed: 2 variant alleles, 2 heterozygotes.
Comment: This study involves interpretation of variants in research participants for the purpose of population health screening. Participant phenotype was not available at the time of variant classification. Additional details can be found in publication PMID: 35346344, PMCID: PMC8962531